The following is an entry in ClinVar:

NM_003073.5(SMARCB1):c.235C>A (p.His79Asn)

Gene: SMARCB1 (SWI/SNF related BAF chromatin remodeling complex subunit B1; plus strand). Cytogenetic location: 22q11.23.
Variant type: single nucleotide variant.
Coding change: c.235C>A on transcript NM_003073.5 (MANE Select); coding-DNA position 235, C replaced by A.
Protein change: p.His79Asn; replaces histidine 79 with asparagine.
Molecular consequence: missense variant.
Genome position (GRCh38, 1-based): chr22:23,793,561, C>A. VCF-style: chr22-23793561-C-A. GRCh37 (hg19) VCF-style: chr22-24135748-C-A.
Other names: c.208C>A, p.His70Asn (NM_001007468.3, NM_001317946.2); c.235C>A, p.His79Asn (NM_001362877.2); short protein forms H79N, H70N.
Identifiers: ClinVar variation 3320818 (VCV003320818.1).
Genomic context (GRCh38, chr22:23,793,561, plus strand): 5'-TGGCTGCTGTGTGCCACCGCCACCAGCAGAGTGACCCAGTGATGTTTGTCTGTTACAGAT[C>A]ACGGATACACGACTCTAGCCACCAGTGTGACCCTGTTAAAAGCCTCGGAAGTGGAAGAGA-3'
Protein context (NP_003064.2, residues 69-89): GKKTKPNTKD[His79Asn]GYTTLATSVT

ClinVar aggregate classification (germline): Uncertain significance (1 of 4 stars; one submission).

Conditions:
Hereditary cancer-predisposing syndrome. Also called: Neoplastic Syndromes, Hereditary; Tumor predisposition; Hereditary neoplastic syndrome; Hereditary Cancer Syndrome. Identifiers: Orphanet 140162, MedGen C0027672, MeSH D009386, MONDO:0015356.

gnomAD v4.1: 1 of 1,614,016 alleles (0.000062%); highest among the groups gnomAD compares: Non-Finnish European, 0.000085%; no homozygotes.

Submission:

Ambry Genetics
Classification: Uncertain significance for Hereditary cancer-predisposing syndrome. Last evaluated: 2024-05-25. Review status: criteria provided, single submitter. Criteria: Ambry Variant Classification Scheme 2023. Collection method: clinical testing. Allele origin: germline.
Comment: The p.H79N variant (also known as c.235C>A), located in coding exon 3 of the SMARCB1 gene, results from a C to A substitution at nucleotide position 235. The histidine at codon 79 is replaced by asparagine, an amino acid with similar properties. This amino acid position is conserved. In addition, the in silico prediction for this alteration is inconclusive. Based on the available evidence, the clinical significance of this variant remains unclear.